The following is an entry in ClinVar:

ClinVar aggregate classification (germline): Uncertain significance (1 of 4 stars; one submission).

Conditions:
Regional enteritis. Also called: Enteritis, Granulomatous. Identifiers: MedGen C0678202, MeSH D003424.
Blau syndrome (BLAUS). Also called: GRANULOMATOSIS, FAMILIAL JUVENILE SYSTEMIC; GRANULOMATOSIS, FAMILIAL, BLAU TYPE; GRANULOMATOUS INFLAMMATORY ARTHRITIS, DERMATITIS, AND UVEITIS, FAMILIAL; JABS SYNDROME; ARTHROCUTANEOUVEAL GRANULOMATOSIS. Identifiers: Orphanet 90340, MedGen C5201146, MONDO:0008523, OMIM 186580.

Submission:

Labcorp Genetics (formerly Invitae), Labcorp
Classification: Uncertain significance for Regional enteritis; Blau syndrome. Last evaluated: 2022-07-12. Review status: criteria provided, single submitter. Criteria: Invitae Variant Classification Sherloc (09022015). Collection method: clinical testing. Allele origin: germline.
Comment: Advanced modeling of protein sequence and biophysical properties (such as structural, functional, and spatial information, amino acid conservation, physicochemical variation, residue mobility, and thermodynamic stability) performed at Invitae indicates that this missense variant is not expected to disrupt NOD2 protein function. ClinVar contains an entry for this variant (Variation ID: 1502988). In summary, the available evidence is currently insufficient to determine the role of this variant in disease. Therefore, it has been classified as a Variant of Uncertain Significance. This variant is not present in population databases (gnomAD no frequency). This variant has not been reported in the literature in individuals affected with NOD2-related conditions. This sequence change replaces glycine, which is neutral and non-polar, with serine, which is neutral and polar, at codon 924 of the NOD2 protein (p.Gly924Ser).

NM_001370466.1(NOD2):c.2689G>A (p.Gly897Ser)

Gene: NOD2 (nucleotide binding oligomerization domain containing 2; plus strand). Cytogenetic location: 16q12.1.
Variant type: single nucleotide variant.
Coding change: c.2689G>A on transcript NM_001370466.1 (MANE Select); coding-DNA position 2689, G replaced by A.
Protein change: p.Gly897Ser; replaces glycine 897 with serine.
Molecular consequence: missense variant. On other transcripts: non-coding transcript variant (1).
Genome position (GRCh38, 1-based): chr16:50,722,677, G>A. VCF-style: chr16-50722677-G-A. GRCh37 (hg19) VCF-style: chr16-50756588-G-A.
Other names: c.2689G>A, p.Gly897Ser (NM_001293557.2); c.2770G>A, p.Gly924Ser (NM_022162.3); short protein forms G897S, G924S.
Identifiers: ClinVar variation 1502988 (VCV001502988.6), dbSNP rs2150833269, ClinGen allele CA395875209.
Genomic context (GRCh38, chr16:50,722,677, plus strand): 5'-TTCAGATTCTGGGGCAACAGAGTGGGTGACGAGGGGGCCCAGGCCCTGGCTGAAGCCTTG[G>A]GTGATCACCAGAGCTTGAGGTGGCTCAGGTAAGCTTCAGAGTCTATCCTGCAGTTTTCTT-3'
Protein context (NP_001357395.1, residues 887-907): EGAQALAEAL[Gly897Ser]DHQSLRWLSL